The following is an entry in ClinVar:

NC_000010.10:g.(?_131633496)_(131641467_131646655)dup

Gene: EBF3 (EBF transcription factor 3; minus strand). Cytogenetic location: 10q26.3.
Variant type: Duplication.
Identifiers: ClinVar variation 4688358 (VCV004688358.1).

ClinVar aggregate classification (germline): Uncertain significance (1 of 4 stars; one submission).

Submission:

Women's Health and Genetics/Laboratory Corporation of America, LabCorp
Classification: Uncertain significance. Last evaluated: 2025-12-12. Review status: criteria provided, single submitter. Criteria: LabCorp Variant Classification Summary - May 2015. Collection method: clinical testing. Allele origin: germline.
Comment: Variant summary: The variant involves the duplication of exons 12-16 in the EBF3 gene. A presumed nomenclature of c.(1101+1_1102-1)_(*2697_?)dup has been designated for the purposes of this classification. The exact breakpoint at the 3' end of this variant is unknown, therefore this duplication may extend downstream of the annotated region of the gene. As it duplicates the termination codon, its effect on the encoded protein is unknown. The variant was absent in 21694 control chromosomes. The available data on variant occurrences in the general population are insufficient to allow any conclusion about variant significance. To our knowledge, no occurrence of c.(1101+1_1102-1)_(*2697_?)dup in individuals affected with EBF3-related conditions and no experimental evidence demonstrating its impact on protein function have been reported. No submitters have cited clinical-significance assessments for this variant to ClinVar. Based on the evidence outlined above, the variant was classified as uncertain significance.